The following is an entry in ClinVar:

NM_005732.4(RAD50):c.55G>T (p.Asp19Tyr)

Gene: RAD50 (RAD50 double strand break repair protein; plus strand). Cytogenetic location: 5q31.1.
Variant type: single nucleotide variant.
Coding change: c.55G>T on transcript NM_005732.4 (MANE Select); coding-DNA position 55, G replaced by T.
Protein change: p.Asp19Tyr; replaces aspartic acid 19 with tyrosine.
Molecular consequence: missense variant.
Genome position (GRCh38, 1-based): chr5:132,557,379, G>T. VCF-style: chr5-132557379-G-T. GRCh37 (hg19) VCF-style: chr5-131893071-G-T.
Other names: short protein forms D19Y.
Identifiers: ClinVar variation 232740 (VCV000232740.16), dbSNP rs770566177, ClinGen allele CA10578470.
Genomic context (GRCh38, chr5:132,557,379, plus strand): 5'-GCAAACATGTCCCGGATCGAAAAGATGAGCATTCTGGGCGTGCGGAGTTTTGGAATAGAG[G>T]ACAAAGATAAGCAAATTATCACTTTCTTCAGCCCCCTTACAATTTTGGTTGGACCCAATG-3'
Protein context (NP_005723.2, residues 9-29): ILGVRSFGIE[Asp19Tyr]KDKQIITFFS

ClinVar aggregate classification (germline): Uncertain significance. Review status: criteria provided, multiple submitters, no conflicts (2 of 4 stars). 3 submissions from 3 submitters: Uncertain significance (3). Last evaluated 2025-09-10.

Conditions:
Hereditary cancer-predisposing syndrome. Also called: Neoplastic Syndromes, Hereditary; Tumor predisposition; Hereditary Cancer Syndrome; Hereditary neoplastic syndrome. Identifiers: Orphanet 140162, MedGen C0027672, MeSH D009386, MONDO:0015356.

Allele frequency attached by ClinVar (database versions not stated): TOPMed 0.00001.
gnomAD v4.1: 6 of 1,614,122 alleles (0.00037%); highest among the groups gnomAD compares: Non-Finnish European, 0.00051%; no homozygotes.

Submissions (3):

Ambry Genetics
Classification: Uncertain significance for Hereditary cancer-predisposing syndrome. Last evaluated: 2025-09-10. Review status: criteria provided, single submitter. Criteria: Ambry Variant Classification Scheme 2023. Collection method: clinical testing. Allele origin: germline.
Comment: The p.D19Y variant (also known as c.55G>T), located in coding exon 1 of the RAD50 gene, results from a G to T substitution at nucleotide position 55. The aspartic acid at codon 19 is replaced by tyrosine, an amino acid with highly dissimilar properties. This alteration was identified in multiple individuals diagnosed with breast cancer (Couch FJ et al. J Clin Oncol, 2015 Feb;33:304-11; Sandoval RL et al. PLoS One, 2021 Feb;16:e0247363). This amino acid position is highly conserved in available vertebrate species. In addition, the in silico prediction for this alteration is inconclusive. Since supporting evidence is limited at this time, the clinical significance of this alteration remains unclear.

Labcorp Genetics (formerly Invitae), Labcorp
Classification: Uncertain significance for Hereditary cancer-predisposing syndrome. Last evaluated: 2023-10-10. Review status: criteria provided, single submitter. Criteria: Invitae Variant Classification Sherloc (09022015). Collection method: clinical testing. Allele origin: germline.
Comment: This sequence change replaces aspartic acid, which is acidic and polar, with tyrosine, which is neutral and polar, at codon 19 of the RAD50 protein (p.Asp19Tyr). This variant is present in population databases (no rsID available, gnomAD 0.0009%). This missense change has been observed in individual(s) with breast cancer (PMID: 25452441). ClinVar contains an entry for this variant (Variation ID: 232740). An algorithm developed to predict the effect of missense changes on protein structure and function (PolyPhen-2) suggests that this variant is likely to be disruptive. In summary, the available evidence is currently insufficient to determine the role of this variant in disease. Therefore, it has been classified as a Variant of Uncertain Significance.

Quest Diagnostics Nichols Institute San Juan Capistrano
Classification: Uncertain significance. Last evaluated: 2023-06-07. Review status: criteria provided, single submitter. Criteria: Quest Diagnostics criteria. Collection method: clinical testing. Allele origin: unknown.
Comment: In the published literature, this variant has been reported in an individual with breast cancer (PMID: 25452441 (2015)). The frequency of this variant in the general population, 0.000004 (1/251488 chromosomes (Genome Aggregation Database)), is uninformative in the assessment of its pathogenicity. Analysis of this variant using bioinformatics tools for the prediction of the effect of amino acid changes on protein structure and function yielded predictions that this variant is damaging. Based on the available information, we are unable to determine the clinical significance of this variant.

Literature cited by the submitters: PubMed 25452441 (cited by 3 submitters); PubMed 33606809 (cited by Ambry Genetics).